The following is an entry in ClinVar:

NM_002599.5(PDE2A):c.2824T>C (p.Ter942Arg)

Gene: PDE2A (phosphodiesterase 2A; minus strand). Cytogenetic location: 11q13.4.
Variant type: single nucleotide variant.
Coding change: c.2824T>C on transcript NM_002599.5 (MANE Select); coding-DNA position 2824, T replaced by C.
Protein change: p.Ter942Arg.
Molecular consequence: stop lost.
Genome position (GRCh38, 1-based): chr11:72,577,386, A>G on the plus strand (T>C on the coding strand, the complement: PDE2A is on the minus strand). VCF-style: chr11-72577386-A-G. GRCh37 (hg19) VCF-style: chr11-72288430-A-G.
Other names: c.2803T>C, p.Ter935Arg (NM_001143839.4); c.2797T>C, p.Ter933Arg (NM_001146209.3); c.2761T>C, p.Ter921Arg (NM_001243784.2).
Identifiers: ClinVar variation 4849164 (VCV004849164.1).

ClinVar aggregate classification (germline): Uncertain significance (1 of 4 stars; one submission).

gnomAD v4.1: 1 of 1,611,540 alleles (0.000062%); highest among the groups gnomAD compares: Non-Finnish European, 0.000085%; no homozygotes.

Submission:

Women's Health and Genetics/Laboratory Corporation of America, LabCorp
Classification: Uncertain significance. Last evaluated: 2026-04-22. Review status: criteria provided, single submitter. Criteria: LabCorp Variant Classification Summary - May 2015. Collection method: clinical testing. Allele origin: germline.
Comment: Variant summary: PDE2A c.2824T>C (p.X942ArgextX33) changes the termination codon and causes a frameshift which is predicted to lead to an extended protein with additional amino acids added to the normal C-terminus. The variant was absent in 249388 control chromosomes (gnomAD). The available data on variant occurrences in the general population are insufficient to allow any conclusion about variant significance. To our knowledge, no occurrence of c.2824T>C in individuals affected with PDE2A-related conditions and no experimental evidence demonstrating its impact on protein function have been reported. No submitters have cited clinical-significance assessments for this variant to ClinVar. Based on the evidence outlined above, the variant was classified as uncertain significance.